The following is an entry in ClinVar:

ClinVar aggregate classification (germline): Uncertain significance. Review status: criteria provided, multiple submitters, no conflicts (2 of 4 stars). 2 submissions from 2 submitters: Uncertain significance (2). Last evaluated 2025-01-29.

Conditions:
Hereditary cancer-predisposing syndrome. Also called: Tumor predisposition; Neoplastic Syndromes, Hereditary; Hereditary neoplastic syndrome; Hereditary Cancer Syndrome. Identifiers: Orphanet 140162, MedGen C0027672, MeSH D009386, MONDO:0015356.

Submissions (2):

Ambry Genetics
Classification: Uncertain significance for Hereditary cancer-predisposing syndrome. Last evaluated: 2025-01-29. Review status: criteria provided, single submitter. Criteria: Ambry Variant Classification Scheme 2023. Collection method: clinical testing. Allele origin: germline.

Labcorp Genetics (formerly Invitae), Labcorp
Classification: Uncertain significance. Last evaluated: 2024-09-04. Review status: criteria provided, single submitter. Criteria: Invitae Variant Classification Sherloc (09022015). Collection method: clinical testing. Allele origin: germline.
Comment: This sequence change replaces alanine, which is neutral and non-polar, with glycine, which is neutral and non-polar, at codon 1087 of the MSH3 protein (p.Ala1087Gly). This variant is not present in population databases (gnomAD no frequency). This variant has not been reported in the literature in individuals affected with MSH3-related conditions. ClinVar contains an entry for this variant (Variation ID: 1018341). An algorithm developed to predict the effect of missense changes on protein structure and function (PolyPhen-2) suggests that this variant is likely to be disruptive. In summary, the available evidence is currently insufficient to determine the role of this variant in disease. Therefore, it has been classified as a Variant of Uncertain Significance.

NM_002439.5(MSH3):c.3260C>G (p.Ala1087Gly)

Gene: MSH3 (mutS homolog 3; plus strand). Cytogenetic location: 5q14.1.
Variant type: single nucleotide variant.
Coding change: c.3260C>G on transcript NM_002439.5 (MANE Select); coding-DNA position 3260, C replaced by G.
Protein change: p.Ala1087Gly; replaces alanine 1087 with glycine.
Molecular consequence: missense variant.
Genome position (GRCh38, 1-based): chr5:80,873,245, C>G. VCF-style: chr5-80873245-C-G. GRCh37 (hg19) VCF-style: chr5-80169064-C-G.
Other names: c.3260C>G (NM_002439.3); short protein forms A1087G.
Identifiers: ClinVar variation 1018341 (VCV001018341.9), dbSNP rs1419850679, ClinGen allele CA360347052.